The following is an entry in ClinVar:

ClinVar aggregate classification (germline): Conflicting classifications of pathogenicity. Review status: criteria provided, conflicting classifications (1 of 4 stars). 3 submissions from 3 submitters: Likely pathogenic (1); Uncertain significance (1). 1 of the submissions does not count toward it. Last evaluated 2026-07-01.

Conditions:
Glycogen storage disease, type II (IOPD). Also called: Glycogen storage disease type 2; Acid maltase deficiency disease; Aglucosidase alfa; Deficiency of alpha-glucosidase; Deficiency of lysosomal alpha-glucosidase; CARDIOMEGALIA GLYCOGENICA DIFFUSA. Identifiers: Orphanet 365, MedGen C0017921, MONDO:0009290, OMIM 232300.

gnomAD v4.1: 1 of 1,613,850 alleles (0.000062%); highest among the groups gnomAD compares: Non-Finnish European, 0.000085%; no homozygotes.

Submissions (3):

Genomenon, Inc
Classification: Uncertain significance for Glycogen storage disease, type II. Last evaluated: 2026-07-01. Review status: criteria provided, single submitter. Criteria: Genomenon Sequence Variant Interpretation Standards - Updated. Collection method: curation. Allele origin: germline. Affected: yes.
Comment: GAA p.Gly528Ala (c.1583G>C) is a missense variant that changes the amino acid at codon 528 from Glycine to Alanine. This variant has been observed in at least one proband with a GAA-related disorder in the compound heterozygous and/or homozygous state (PMID:25687635). It is absent or not present at a significant frequency in gnomAD. In silico models predict that this variant is possibly or probably damaging. In conclusion, we classify GAA p.Gly528Ala (c.1583G>C) as a variant of uncertain significance.

Labcorp Genetics (formerly Invitae), Labcorp
Classification: Likely pathogenic for Glycogen storage disease, type II. Last evaluated: 2025-11-21. Review status: criteria provided, single submitter. Criteria: Invitae Variant Classification Sherloc (09022015). Collection method: clinical testing. Allele origin: germline.
Comment: This sequence change replaces glycine, which is neutral and non-polar, with alanine, which is neutral and non-polar, at codon 528 of the GAA protein (p.Gly528Ala). This variant is not present in population databases (gnomAD no frequency). This missense change has been observed in individuals with Pompe disease (PMID: 31086307). ClinVar contains an entry for this variant (Variation ID: 193796). Invitae Evidence Modeling of protein sequence and biophysical properties (such as structural, functional, and spatial information, amino acid conservation, physicochemical variation, residue mobility, and thermodynamic stability) indicates that this missense variant is expected to disrupt GAA protein function with a positive predictive value of 95%. In summary, the currently available evidence indicates that the variant is pathogenic, but additional data are needed to prove that conclusively. Therefore, this variant has been classified as Likely Pathogenic.

Eurofins Ntd Llc (ga)
Classification: Uncertain significance. Last evaluated: 2014-09-03. Review status: flagged submission. Criteria: EGL Classification Definitions 2015. Collection method: clinical testing. Allele origin: germline. Observed: 1 variant allele, 1 heterozygote. Not counted in ClinVar's aggregate classification.
ClinVar note: Reason: Older claim that does not account for recent evidence

Literature cited by the submitters: PubMed 25687635 (cited by Genomenon, Inc); PubMed 31086307 (cited by Labcorp Genetics (formerly Invitae), Labcorp).

NM_000152.5(GAA):c.1583G>C (p.Gly528Ala)

Gene: GAA (alpha glucosidase; plus strand). Cytogenetic location: 17q25.3.
Variant type: single nucleotide variant.
Coding change: c.1583G>C on transcript NM_000152.5 (MANE Select); coding-DNA position 1583, G replaced by C.
Protein change: p.Gly528Ala; replaces glycine 528 with alanine.
Molecular consequence: missense variant.
Genome position (GRCh38, 1-based): chr17:80,110,972, G>C. VCF-style: chr17-80110972-G-C. GRCh37 (hg19) VCF-style: chr17-78084771-G-C.
Other names: c.1583G>C, p.Gly528Ala (NM_001079803.3, NM_001079804.3); short protein forms G528A.
Identifiers: ClinVar variation 193796 (VCV000193796.13), dbSNP rs794727016, ClinGen allele CA239454.
Genomic context (GRCh38, chr17:80,110,972, plus strand): 5'-GTCACCTACCAGCAGCGCTTCTCTTGCAGGACATGAACGAGCCTTCCAACTTCATCAGGG[G>C]CTCTGAGGACGGCTGCCCCAACAATGAGCTGGAGAACCCACCCTACGTGCCTGGTCAGCT-3'
Protein context (NP_000143.2, residues 518-538): DMNEPSNFIR[Gly528Ala]SEDGCPNNEL